The following is an entry in ClinVar:

ClinVar aggregate classification (germline): Uncertain significance. Review status: criteria provided, multiple submitters, no conflicts (2 of 4 stars). 5 submissions from 5 submitters: Uncertain significance (5). Last evaluated 2024-10-04.

Conditions:
EEM syndrome (EEMS). Identifiers: Orphanet 1897, MedGen C1857041, MONDO:0009155, OMIM 225280.
Inborn genetic diseases. Identifiers: MedGen C0950123, MeSH D030342.

Allele frequency attached by ClinVar (database versions not stated): gnomAD 0.00001; TOPMed 0.00001; ExAC 0.00004; gnomAD exomes 0.00005; ESP Exome Variant Server 0.00008.
gnomAD v4.1: 50 of 1,614,058 alleles (0.0031%); highest among the groups gnomAD compares: Non-Finnish European, 0.0036%; no homozygotes.

Submissions (5):

Ambry Genetics
Classification: Uncertain significance for Inborn genetic diseases. Last evaluated: 2024-10-04. Review status: criteria provided, single submitter. Criteria: Ambry Variant Classification Scheme 2023. Collection method: clinical testing. Allele origin: germline.

GeneDx
Classification: Uncertain significance. Last evaluated: 2024-04-22. Review status: criteria provided, single submitter. Criteria: GeneDx Variant Classification Process June 2021. Collection method: clinical testing. Allele origin: germline. Affected: yes.
Comment: In silico analysis indicates that this missense variant does not alter protein structure/function; Has not been previously published as pathogenic or benign to our knowledge

Labcorp Genetics (formerly Invitae), Labcorp
Classification: Uncertain significance. Last evaluated: 2022-10-13. Review status: criteria provided, single submitter. Criteria: Invitae Variant Classification Sherloc (09022015). Collection method: clinical testing. Allele origin: germline.
Comment: This sequence change replaces alanine, which is neutral and non-polar, with threonine, which is neutral and polar, at codon 414 of the CDH3 protein (p.Ala414Thr). This variant is present in population databases (rs145203128, gnomAD 0.01%). This variant has not been reported in the literature in individuals affected with CDH3-related conditions. ClinVar contains an entry for this variant (Variation ID: 320237). Advanced modeling of protein sequence and biophysical properties (such as structural, functional, and spatial information, amino acid conservation, physicochemical variation, residue mobility, and thermodynamic stability) performed at Invitae indicates that this missense variant is not expected to disrupt CDH3 protein function. In summary, the available evidence is currently insufficient to determine the role of this variant in disease. Therefore, it has been classified as a Variant of Uncertain Significance.

Blueprint Genetics
Classification: Uncertain significance. Last evaluated: 2022-02-10. Review status: criteria provided, single submitter. Criteria: ACMG Guidelines, 2015. Collection method: clinical testing. Allele origin: germline.

Illumina Laboratory Services, Illumina
Classification: Uncertain significance for EEM syndrome. Last evaluated: 2018-01-13. Review status: criteria provided, single submitter. Criteria: ICSL Variant Classification Criteria 13 December 2019. Collection method: clinical testing. Allele origin: germline.

NM_001793.6(CDH3):c.1240G>A (p.Ala414Thr)

Gene: CDH3 (cadherin 3; plus strand). Cytogenetic location: 16q22.1.
Variant type: single nucleotide variant.
Coding change: c.1240G>A on transcript NM_001793.6 (MANE Select); coding-DNA position 1240, G replaced by A.
Protein change: p.Ala414Thr; replaces alanine 414 with threonine.
Molecular consequence: missense variant.
Genome position (GRCh38, 1-based): chr16:68,684,640, G>A. VCF-style: chr16-68684640-G-A. GRCh37 (hg19) VCF-style: chr16-68718543-G-A.
Other names: c.1240G>A, p.Ala414Thr (NM_001317195.3); c.1075G>A, p.Ala359Thr (NM_001317196.2); short protein forms A414T, A359T.
Identifiers: ClinVar variation 320237 (VCV000320237.13), dbSNP rs145203128, ClinGen allele CA8129306.